The following is an entry in ClinVar:

ClinVar aggregate classification (germline): Likely benign. Review status: criteria provided, single submitter (1 of 4 stars). 2 submissions from 2 submitters: Likely benign (1). 1 of the submissions does not count toward it. Last evaluated 2024-12-16.

Conditions:
BCL11B-related disorder. Also called: BCL11B-Related Disorders.

gnomAD v4.1: 24 of 1,560,126 alleles (0.0015%); highest among the groups gnomAD compares: Middle Eastern, 0.17%; no homozygotes.

Submissions (2):

Labcorp Genetics (formerly Invitae), Labcorp
Classification: Likely benign. Last evaluated: 2024-12-16. Review status: criteria provided, single submitter. Criteria: Invitae Variant Classification Sherloc (09022015). Collection method: clinical testing. Allele origin: germline.

PreventionGenetics, part of Exact Sciences
Classification: Likely benign for BCL11B-related condition. Last evaluated: 2019-02-26. Review status: no assertion criteria provided. Collection method: clinical testing. Allele origin: germline. Not counted in ClinVar's aggregate classification.
Comment: This variant is classified as likely benign based on ACMG/AMP sequence variant interpretation guidelines (Richards et al. 2015 PMID: 25741868, with internal and published modifications).

NM_138576.4(BCL11B):c.2349C>T (p.Gly783=)

Gene: BCL11B (BCL11 transcription factor B; minus strand). Cytogenetic location: 14q32.2.
Variant type: single nucleotide variant.
Coding change: c.2349C>T on transcript NM_138576.4 (MANE Select); coding-DNA position 2349, C replaced by T.
Protein change: p.Gly783=; no amino-acid change (glycine 783 retained).
Molecular consequence: synonymous variant.
Genome position (GRCh38, 1-based): chr14:99,174,487, G>A on the plus strand (C>T on the coding strand, the complement: BCL11B is on the minus strand). VCF-style: chr14-99174487-G-A. GRCh37 (hg19) VCF-style: chr14-99640824-G-A.
Other names: c.2136C>T (NM_022898.2); c.2346C>T, p.Gly782= (NM_001282237.2); c.2133C>T, p.Gly711= (NM_001282238.2); c.2136C>T, p.Gly712= (NM_022898.3).
Identifiers: ClinVar variation 1115436 (VCV001115436.11), dbSNP rs1152782, ClinGen allele CA266104799.
Genomic context (GRCh38, chr14:99,174,487, plus strand): 5'-CTTGCCGCAGTACTCGCACGTGTCGCTGCGGCGGCCCTCCTTGGAGCTGGGCCGCCCGGG[G>A]CCCGGGCCGCCCAGGTGCGGGGTGCTGCCTCCGCTGGCCGTGCCGCTGCGGCCCGAGAGG-3'
Protein context (NP_612808.1, residues 773-793): GGSTPHLGGP[Gly783=]PGRPSSKEGR